The following is an entry in ClinVar:

NM_000718.4(CACNA1B):c.1703C>T (p.Pro568Leu)

Gene: CACNA1B (calcium voltage-gated channel subunit alpha1 B; plus strand). Cytogenetic location: 9q34.3.
Variant type: single nucleotide variant.
Coding change: c.1703C>T on transcript NM_000718.4 (MANE Select); coding-DNA position 1703, C replaced by T.
Protein change: p.Pro568Leu; replaces proline 568 with leucine.
Molecular consequence: missense variant.
Genome position (GRCh38, 1-based): chr9:137,984,184, C>T. VCF-style: chr9-137984184-C-T. GRCh37 (hg19) VCF-style: chr9-140878636-C-T.
Other names: c.1703C>T, p.Pro568Leu (NM_001243812.2); short protein forms P568L.
Identifiers: ClinVar variation 3342529 (VCV003342529.1).

ClinVar aggregate classification (germline): Uncertain significance (1 of 4 stars; one submission).

gnomAD v4.1: 2 of 1,604,908 alleles (0.00012%); highest among the groups gnomAD compares: East Asian, 0.0045%; no homozygotes.

Submission:

GeneDx
Classification: Uncertain significance. Last evaluated: 2022-05-27. Review status: criteria provided, single submitter. Criteria: GeneDx Variant Classification Process June 2021. Collection method: clinical testing. Allele origin: germline. Affected: yes.
Comment: Variants in candidate genes are classified as variants of uncertain significance in accordance with ACMG guidelines (Richards et al., 2015); Not observed at significant frequency in large population cohorts (gnomAD); In silico analysis supports that this missense variant has a deleterious effect on protein structure/function; Has not been previously published as pathogenic or benign to our knowledge